The following is an entry in ClinVar:

NM_001037333.3(CYFIP2):c.3224G>A (p.Arg1075His)

Genes: CYFIP2 (cytoplasmic FMR1 interacting protein 2; plus strand), NIPAL4-DT (NIPAL4 divergent transcript; minus strand). Cytogenetic location: 5q33.3.
Variant type: single nucleotide variant.
Coding change: c.3224G>A on transcript NM_001037333.3 (MANE Select); coding-DNA position 3224, G replaced by A.
Protein change: p.Arg1075His; replaces arginine 1075 with histidine.
Molecular consequence: missense variant.
Genome position (GRCh38, 1-based): chr5:157,389,205, G>A. VCF-style: chr5-157389205-G-A. GRCh37 (hg19) VCF-style: chr5-156816213-G-A.
Other names: c.3146G>A, p.Arg1049His (NM_001291721.2); c.3299G>A, p.Arg1100His (NM_001291722.2); c.3224G>A, p.Arg1075His (NM_014376.4); short protein forms R1049H, R1075H, R1100H.
Identifiers: ClinVar variation 3354203 (VCV003354203.1).

ClinVar aggregate classification (germline): Uncertain significance (0 of 4 stars; one submission).

Conditions:
CYFIP2-related disorder. Also called: CYFIP2-related condition.

gnomAD v4.1: 5 of 1,611,804 alleles (0.00031%); highest among the groups gnomAD compares: East Asian, 0.0022%; no homozygotes.

Submission:

PreventionGenetics, part of Exact Sciences
Classification: Uncertain significance for CYFIP2-related condition. Last evaluated: 2024-05-14. Review status: no assertion criteria provided. Collection method: clinical testing. Allele origin: germline.
Comment: The CYFIP2 c.3299G>A variant is predicted to result in the amino acid substitution p.Arg1100His. To our knowledge, this variant has not been reported in the literature or in a large population database, indicating this variant is rare. At this time, the clinical significance of this variant is uncertain due to the absence of conclusive functional and genetic evidence.